The following is an entry in ClinVar:

NM_000481.4(AMT):c.90+4G>A

Genes: AMT (aminomethyltransferase; minus strand), NICN1 (nicolin 1, tubulin polyglutamylase complex subunit; minus strand). Cytogenetic location: 3p21.31.
Variant type: single nucleotide variant.
Coding change: c.90+4G>A on transcript NM_000481.4 (MANE Select); 4 bases into the intron after coding-DNA position 90, G replaced by A.
Molecular consequence: intron variant. On other transcripts: 3 prime UTR variant (1).
Genome position (GRCh38, 1-based): chr3:49,422,357, C>T on the plus strand (G>A on the coding strand, the complement: AMT is on the minus strand). VCF-style: chr3-49422357-C-T. GRCh37 (hg19) VCF-style: chr3-49459790-C-T.
Other names: c.*2476G>A (NM_032316.3); c.90+4G>A (NM_001164711.2, NM_001164710.2, NM_001164712.2).
Identifiers: ClinVar variation 1513748 (VCV001513748.6), dbSNP rs2107938113, ClinGen allele CA2573137089.

ClinVar aggregate classification (germline): Uncertain significance (1 of 4 stars; one submission).

Conditions:
Glycine encephalopathy. Also called: Nonketotic hyperglycinemia; Non-ketotic hyperglycinemia. Identifiers: Orphanet 407, MedGen C0751748, MONDO:0011612, HP:0008288.

Submission:

Labcorp Genetics (formerly Invitae), Labcorp
Classification: Uncertain significance for Glycine encephalopathy. Last evaluated: 2021-04-27. Review status: criteria provided, single submitter. Criteria: Invitae Variant Classification Sherloc (09022015). Collection method: clinical testing. Allele origin: germline.
Comment: Nucleotide substitutions within the consensus splice site are a relatively common cause of aberrant splicing (PMID: 17576681, 9536098). Algorithms developed to predict the effect of sequence changes on RNA splicing suggest that this variant is not likely to affect RNA splicing, but this prediction has not been confirmed by published transcriptional studies. In summary, the available evidence is currently insufficient to determine the role of this variant in disease. Therefore, it has been classified as a Variant of Uncertain Significance. This variant has not been reported in the literature in individuals with AMT-related conditions. This variant is not present in population databases (ExAC no frequency). This sequence change falls in intron 1 of the AMT gene. It does not directly change the encoded amino acid sequence of the AMT protein. It affects a nucleotide within the consensus splice site of the intron.

Literature cited by the submitters: PubMed 17576681; PubMed 9536098.